The following is an entry in ClinVar:

NM_005826.5(HNRNPR):c.1430A>G (p.Tyr477Cys)

Gene: HNRNPR (heterogeneous nuclear ribonucleoprotein R; minus strand). Cytogenetic location: 1p36.12.
Variant type: single nucleotide variant.
Coding change: c.1430A>G on transcript NM_005826.5 (MANE Select); coding-DNA position 1430, A replaced by G.
Protein change: p.Tyr477Cys; replaces tyrosine 477 with cysteine.
Molecular consequence: missense variant.
Genome position (GRCh38, 1-based): chr1:23,310,926, T>C on the plus strand (A>G on the coding strand, the complement: HNRNPR is on the minus strand). VCF-style: chr1-23310926-T-C. GRCh37 (hg19) VCF-style: chr1-23637419-T-C.
Other names: c.1127A>G, p.Tyr376Cys (NM_001102397.3); c.1439A>G, p.Tyr480Cys (NM_001102398.3); c.1136A>G, p.Tyr379Cys (NM_001102399.3); c.1316A>G, p.Tyr439Cys (NM_001297620.2); c.950A>G, p.Tyr317Cys (NM_001297621.2); c.1013A>G, p.Tyr338Cys (NM_001297622.2); short protein forms Y317C, Y338C, Y376C, Y379C, Y439C, Y477C, Y480C.
Identifiers: ClinVar variation 3234651 (VCV003234651.20), dbSNP rs2523627155, ClinGen allele CA339259172.
Genomic context (GRCh38, chr1:23,310,926, plus strand): 5'-TAGCCATCATCATAGCCGTAGTAGGGATCTTCATAGCCTCCACGATAGTCGTGATAATCA[T>C]AACCATAGTAATCATCATAGTAATCTTCATAGCCGTAGTAATCTGGAGGGTAGCCATATC-3'
Protein context (NP_005817.1, residues 467-487): YEDYYDDYYG[Tyr477Cys]DYHDYRGGYE

ClinVar aggregate classification (germline): Uncertain significance (1 of 4 stars; one submission).

Allele frequency attached by ClinVar (database versions not stated): gnomAD exomes below 0.00001.
gnomAD v4.1: 1 of 1,614,116 alleles (0.000062%); highest among the groups gnomAD compares: Non-Finnish European, 0.000085%; no homozygotes.

Submission:

CeGaT Center for Human Genetics Tuebingen
Classification: Uncertain significance. Last evaluated: 2024-04-01. Review status: criteria provided, single submitter. Criteria: CeGaT Center For Human Genetics Tuebingen Variant Classification Criteria Version 2. Collection method: clinical testing. Allele origin: germline. Affected: yes. Observed: 1 variant allele.
Comment: HNRNPR: PM2